The following is an entry in ClinVar:

ClinVar aggregate classification (germline): Uncertain significance (1 of 4 stars; one submission).

gnomAD v4.1: 3 of 1,613,850 alleles (0.00019%); highest among the groups gnomAD compares: East Asian, 0.0067%; no homozygotes.

Submission:

GeneDx
Classification: Uncertain significance. Last evaluated: 2025-04-07. Review status: criteria provided, single submitter. Criteria: GeneDx Variant Classification Process June 2021. Collection method: clinical testing. Allele origin: germline. Affected: yes.
Comment: Not observed at significant frequency in large population cohorts (gnomAD); In silico analysis indicates that this missense variant does not alter protein structure/function; Has not been previously published as pathogenic or benign to our knowledge

NM_001378454.1(ALMS1):c.4369G>A (p.Val1457Ile)

Gene: ALMS1 (ALMS1 centrosome and basal body associated protein; plus strand). Cytogenetic location: 2p13.1.
Variant type: single nucleotide variant.
Coding change: c.4369G>A on transcript NM_001378454.1 (MANE Select); coding-DNA position 4369, G replaced by A.
Protein change: p.Val1457Ile; replaces valine 1457 with isoleucine.
Molecular consequence: missense variant.
Genome position (GRCh38, 1-based): chr2:73,450,896, G>A. VCF-style: chr2-73450896-G-A. GRCh37 (hg19) VCF-style: chr2-73678023-G-A.
Other names: c.4372G>A, p.Val1458Ile (NM_015120.4); short protein forms V1457I, V1458I.
Identifiers: ClinVar variation 4281904 (VCV004281904.1).